The following is an entry in ClinVar:

NM_001849.4(COL6A2):c.2435T>C (p.Val812Ala)

Gene: COL6A2 (collagen type VI alpha 2 chain; plus strand). Cytogenetic location: 21q22.3.
Variant type: single nucleotide variant.
Coding change: c.2435T>C on transcript NM_001849.4 (MANE Select); coding-DNA position 2435, T replaced by C.
Protein change: p.Val812Ala; replaces valine 812 with alanine.
Molecular consequence: missense variant.
Genome position (GRCh38, 1-based): chr21:46,126,515, T>C. VCF-style: chr21-46126515-T-C. GRCh37 (hg19) VCF-style: chr21-47546429-T-C.
Other names: c.2435T>C, p.Val812Ala (NM_058174.3, NM_058175.3); short protein forms V812A.
Identifiers: ClinVar variation 288845 (VCV000288845.12), dbSNP rs886044025, ClinGen allele CA10606247.

ClinVar aggregate classification (germline): Uncertain significance. Review status: criteria provided, multiple submitters, no conflicts (2 of 4 stars). 2 submissions from 2 submitters: Uncertain significance (2). Last evaluated 2022-11-08.

Conditions:
Bethlem myopathy 1A. Also called: Bethlem Muscular Dystrophy; MYOPATHY, BENIGN CONGENITAL, WITH CONTRACTURES; Bethlem myopathy 1. Identifiers: Orphanet 610, MedGen CN029274, MONDO:0024530, OMIM 158810.

Allele frequency attached by ClinVar (database versions not stated): gnomAD exomes below 0.00001; gnomAD 0.00001; TOPMed 0.00001.
gnomAD v4.1: 3 of 1,612,894 alleles (0.00019%); highest among the groups gnomAD compares: Non-Finnish European, 0.00025%; no homozygotes.

Submissions (2):

Labcorp Genetics (formerly Invitae), Labcorp
Classification: Uncertain significance for Bethlem myopathy 1A. Last evaluated: 2022-11-08. Review status: criteria provided, single submitter. Criteria: Invitae Variant Classification Sherloc (09022015). Collection method: clinical testing. Allele origin: germline.
Comment: In summary, the available evidence is currently insufficient to determine the role of this variant in disease. Therefore, it has been classified as a Variant of Uncertain Significance. Advanced modeling of protein sequence and biophysical properties (such as structural, functional, and spatial information, amino acid conservation, physicochemical variation, residue mobility, and thermodynamic stability) performed at Invitae indicates that this missense variant is not expected to disrupt COL6A2 protein function. ClinVar contains an entry for this variant (Variation ID: 288845). This variant has not been reported in the literature in individuals affected with COL6A2-related conditions. This variant is not present in population databases (gnomAD no frequency). This sequence change replaces valine, which is neutral and non-polar, with alanine, which is neutral and non-polar, at codon 812 of the COL6A2 protein (p.Val812Ala).

Eurofins Ntd Llc (ga)
Classification: Uncertain significance. Last evaluated: 2016-06-20. Review status: criteria provided, single submitter. Criteria: EGL Classification Definitions 2015. Collection method: clinical testing. Allele origin: germline. Observed: 1 variant allele, 1 heterozygote.